The following is an entry in ClinVar:

NM_003737.4(DCHS1):c.8191A>G (p.Ile2731Val)

Gene: DCHS1 (dachsous cadherin-related 1; minus strand). Cytogenetic location: 11p15.4.
Variant type: single nucleotide variant.
Coding change: c.8191A>G on transcript NM_003737.4 (MANE Select); coding-DNA position 8191, A replaced by G.
Protein change: p.Ile2731Val; replaces isoleucine 2731 with valine.
Molecular consequence: missense variant.
Genome position (GRCh38, 1-based): chr11:6,623,485, T>C on the plus strand (A>G on the coding strand, the complement: DCHS1 is on the minus strand). VCF-style: chr11-6623485-T-C. GRCh37 (hg19) VCF-style: chr11-6644716-T-C.
Other names: short protein forms I2731V.
Identifiers: ClinVar variation 4776544 (VCV004776544.1).

ClinVar aggregate classification (germline): Uncertain significance (1 of 4 stars; one submission).

gnomAD v4.1: 3 of 1,590,988 alleles (0.00019%); highest among the groups gnomAD compares: Non-Finnish European, 0.00026%; no homozygotes.

Submission:

Labcorp Genetics (formerly Invitae), Labcorp
Classification: Uncertain significance. Last evaluated: 2025-09-14. Review status: criteria provided, single submitter. Criteria: Invitae Variant Classification Sherloc (09022015). Collection method: clinical testing. Allele origin: germline.
Comment: This sequence change replaces isoleucine, which is neutral and non-polar, with valine, which is neutral and non-polar, at codon 2731 of the DCHS1 protein (p.Ile2731Val). This variant is not present in population databases (gnomAD no frequency). This variant has not been reported in the literature in individuals affected with DCHS1-related conditions. Invitae Evidence Modeling of protein sequence and biophysical properties (such as structural, functional, and spatial information, amino acid conservation, physicochemical variation, residue mobility, and thermodynamic stability) indicates that this missense variant is expected to disrupt DCHS1 protein function with a positive predictive value of 80%. In summary, the available evidence is currently insufficient to determine the role of this variant in disease. Therefore, it has been classified as a Variant of Uncertain Significance.